The following is an entry in ClinVar:

ClinVar aggregate classification (germline): Pathogenic (1 of 4 stars; one submission).

Submission:

Athena Diagnostics
Classification: Pathogenic. Last evaluated: 2024-12-20. Review status: criteria provided, single submitter. Criteria: Athena Diagnostics Criteria. Collection method: clinical testing. Allele origin: unknown.
Comment: This variant is expected to result in the loss of a functional protein. This variant has not been reported in large, multi-ethnic general populations. This variant has been identified in at least one individual with clinical features associated with this gene.

NM_002397.5(MEF2C):c.516_519dup (p.His174fs)

Gene: MEF2C (myocyte enhancer factor 2C; minus strand). Cytogenetic location: 5q14.3.
Variant type: Duplication.
Coding change: c.516_519dup on transcript NM_002397.5 (MANE Select); coding-DNA positions 516 to 519, 4 bases duplicated (GGCT; older notation c.516_519dupGGCT).
Protein change: p.His174fs; shifts the reading frame from histidine 174.
Molecular consequence: frameshift variant.
Genome position (GRCh38, 1-based): chr5:88,751,927-88,751,930, AGCC duplicated on the plus strand (GGCT on the coding strand, the reverse complement: MEF2C is on the minus strand); duplicating any 4 consecutive bases within chr5:88,751,927-88,751,932 gives the same sequence; the c. name uses the placement nearest the transcript's 3' end. VCF-style (leftmost placement, unchanged base first): chr5-88751926-G-GAGCC. GRCh37 (hg19) VCF-style: chr5-88047743-G-GAGCC.
Other names: c.510_513dup, p.His172fs (NM_001131005.2, NM_001364343.2, NM_001364352.2); c.570_573dup, p.His192fs (NM_001193347.1, NM_001364338.2); c.372_375dup, p.His126fs (NM_001193348.1, NM_001193349.3, NM_001364332.2 and 3 more transcripts); c.516_519dup, p.His174fs (NM_001193350.2, NM_001308002.3, NM_001363581.2 and 18 more transcripts); c.138_141dup, p.His48fs (NM_001364353.2, NM_001364356.2); c.90_93dup, p.His32fs (NM_001364357.2); short protein forms H126fs, H172fs, H174fs, H192fs, H32fs, H48fs.
Identifiers: ClinVar variation 4682474 (VCV004682474.1).
Genomic context (GRCh38, chr5:88,751,926, plus strand): 5'-CTGCACTTGGAGGTCGATGTGTTACACCAGGAGACATACTATTCCTCTGCAGAGAAGGGT[G>GAGCC]AGCCAGTGGCAATAGGTTGGGGTTTCCCAGTGAGCTGACAGGGTTGCTGTACACCAAACT-3'